The following is an entry in ClinVar:

ClinVar aggregate classification (germline): Likely benign. Review status: criteria provided, single submitter (1 of 4 stars). 2 submissions from 2 submitters: Likely benign (1). 1 of the submissions does not count toward it. Last evaluated 2023-07-01.

Conditions:
SETX-related disorder. Also called: SETX-related disorders; SETX-related condition. Identifiers: MedGen CN239403.

Submissions (2):

CeGaT Center for Human Genetics Tuebingen
Classification: Likely benign. Last evaluated: 2023-07-01. Review status: criteria provided, single submitter. Criteria: CeGaT Center For Human Genetics Tuebingen Variant Classification Criteria Version 2. Collection method: clinical testing. Allele origin: germline. Affected: yes. Observed: 2 variant alleles.
Comment: SETX: PM2:Supporting, BP4, BP7

PreventionGenetics, part of Exact Sciences
Classification: Likely benign for SETX-related condition. Last evaluated: 2020-07-21. Review status: no assertion criteria provided. Collection method: clinical testing. Allele origin: germline. Not counted in ClinVar's aggregate classification.
Comment: This variant is classified as likely benign based on ACMG/AMP sequence variant interpretation guidelines (Richards et al. 2015 PMID: 25741868, with internal and published modifications).

NM_015046.7(SETX):c.7770C>G (p.Pro2590=)

Gene: SETX (senataxin; minus strand). Cytogenetic location: 9q34.13.
Variant type: single nucleotide variant.
Coding change: c.7770C>G on transcript NM_015046.7 (MANE Select); coding-DNA position 7770, C replaced by G.
Protein change: p.Pro2590=; no amino-acid change (proline 2590 retained).
Molecular consequence: synonymous variant.
Genome position (GRCh38, 1-based): chr9:132,264,503, G>C on the plus strand (C>G on the coding strand, the complement: SETX is on the minus strand). VCF-style: chr9-132264503-G-C. GRCh37 (hg19) VCF-style: chr9-135139890-G-C.
Other names: c.7770C>G, p.Pro2590= (NM_001351527.2); c.7857C>G, p.Pro2619= (NM_001351528.2).
Identifiers: ClinVar variation 2579075 (VCV002579075.26), dbSNP rs532828022, ClinGen allele CA467504483.
Genomic context (GRCh38, chr9:132,264,503, plus strand): 5'-AGCTGGAGGTTCGCCCCGCACGGGAGGTTTGTGGCTGCTCAGAGCAGCCACTACAGCAGC[G>C]GGCTGCTGTATATGGCTCAGGTCCTGGTGAACGACAGGGAAGCCCGGCTCGCCCGTAGGA-3'
Protein context (NP_055861.3, residues 2580-2600): VHQDLSHIQQ[Pro2590=]AAVVAALSSH